The following is an entry in ClinVar:

ClinVar aggregate classification (germline): Pathogenic. Review status: criteria provided, multiple submitters, no conflicts (2 of 4 stars). 2 submissions from 2 submitters: Pathogenic (2). Last evaluated 2025-10-14.

Conditions:
Familial cancer of breast. Also called: BREAST CANCER, FAMILIAL; Hereditary breast cancer; hereditary breast carcinoma. Identifiers: Orphanet 227535, MedGen C0346153, MONDO:0016419, OMIM 114480. Disease mechanism: loss of function.
Hereditary cancer-predisposing syndrome. Also called: Neoplastic Syndromes, Hereditary; Tumor predisposition; Hereditary neoplastic syndrome; Hereditary Cancer Syndrome. Identifiers: Orphanet 140162, MedGen C0027672, MeSH D009386, MONDO:0015356.

Submissions (2):

Ambry Genetics
Classification: Pathogenic for Hereditary cancer-predisposing syndrome. Last evaluated: 2025-10-14. Review status: criteria provided, single submitter. Criteria: Ambry Variant Classification Scheme 2023. Collection method: clinical testing. Allele origin: germline.
Comment: The c.65_101del37 pathogenic mutation, located in coding exon 1 of the BARD1 gene, results from a deletion of 37 nucleotides at nucleotide positions 65 to 101, causing a translational frameshift with a predicted alternate stop codon (p.S22Wfs*24). This variant is considered to be rare based on population cohorts in the Genome Aggregation Database (gnomAD). This alteration is expected to result in loss of function by premature protein truncation or nonsense-mediated mRNA decay. As such, this alteration is interpreted as a disease-causing mutation.

Myriad Genetics, Inc.
Classification: Pathogenic for Familial cancer of breast. Last evaluated: 2023-05-17. Review status: criteria provided, single submitter. Criteria: Myriad Autosomal Dominant, Autosomal Recessive and X-Linked Classification Criteria (2023). Collection method: clinical testing. Allele origin: unknown.
Comment: This variant is considered pathogenic. This variant creates a frameshift predicted to result in premature protein truncation.

NM_000465.4(BARD1):c.65_101del (p.Ser22fs)

Gene: BARD1 (BRCA1 associated RING domain 1; minus strand). Cytogenetic location: 2q35.
Variant type: Deletion.
Coding change: c.65_101del on transcript NM_000465.4 (MANE Select); coding-DNA positions 65 to 101, 37 bases deleted.
Protein change: p.Ser22fs; shifts the reading frame from serine 22.
Molecular consequence: frameshift variant. On other transcripts: non-coding transcript variant (3).
Genome position (GRCh38, 1-based): chr2:214,809,469-214,809,505, 37 bases deleted. GRCh37 (hg19): chr2:215,674,193-215,674,229.
Other names: c.65_101del, p.Ser22fs (NM_001282543.2, NM_001282545.2, NM_001282548.2 and 1 more transcripts); short protein forms S22fs.
Identifiers: ClinVar variation 826452 (VCV000826452.7), dbSNP rs1574869326, ClinGen allele CA915941676.
Genomic context (GRCh38, chr2:214,809,468, plus strand): 5'-TTACCAACGCGAGCAGCGCAGCAGCTTCTCCAGGCGGTCGAGCGCGGCGCGACTGTGGGC[CCAGGCACCGCGACCATCCGGTTCCATGGCGGGCGCGG>C]AACGAGGCTCGTTCCCGGAGCGGATCCTCGGCTGCCGGTTCCTCGGCTGCCGATTATCCG-3'